The following is an entry in ClinVar:

ClinVar aggregate classification (germline): Uncertain significance (1 of 4 stars; one submission).

gnomAD v4.1: 43 of 1,614,134 alleles (0.0027%); highest among the groups gnomAD compares: Non-Finnish European, 0.0034%; no homozygotes.

Submission:

GeneDx
Classification: Uncertain significance. Last evaluated: 2024-08-27. Review status: criteria provided, single submitter. Criteria: GeneDx Variant Classification Process June 2021. Collection method: clinical testing. Allele origin: germline. Affected: yes.
Comment: Not observed at significant frequency in large population cohorts (gnomAD); In silico analysis indicates that this missense variant does not alter protein structure/function; Has not been previously published as pathogenic or benign to our knowledge

NM_207361.6(FREM2):c.3658G>A (p.Val1220Ile)

Gene: FREM2 (FRAS1 related extracellular matrix 2; plus strand). Cytogenetic location: 13q13.3.
Variant type: single nucleotide variant.
Coding change: c.3658G>A on transcript NM_207361.6 (MANE Select); coding-DNA position 3658, G replaced by A.
Protein change: p.Val1220Ile; replaces valine 1220 with isoleucine.
Molecular consequence: missense variant.
Genome position (GRCh38, 1-based): chr13:38,691,002, G>A. VCF-style: chr13-38691002-G-A. GRCh37 (hg19) VCF-style: chr13-39265139-G-A.
Other names: short protein forms V1220I.
Identifiers: ClinVar variation 3766356 (VCV003766356.1).